The following is an entry in ClinVar:

ClinVar aggregate classification (germline): Pathogenic (1 of 4 stars; one submission).

Conditions:
Jeune thoracic dystrophy. Also called: Jeune syndrome; Infantile thoracic dystrophy; Thoracic pelvic phalangeal dystrophy; Jeune's syndrome; Chondroectodermal dysplasia-like syndrome; Short-rib thoracic dysplasia. Identifiers: Orphanet 474, MedGen C0265275, MONDO:0018770.

Allele frequency attached by ClinVar (database versions not stated): TOPMed below 0.00001; gnomAD 0.00001.
gnomAD v4.1: 1 of 1,613,216 alleles (0.000062%); highest among the groups gnomAD compares: African/African-American, 0.0013%; no homozygotes.

Submission:

Labcorp Genetics (formerly Invitae), Labcorp
Classification: Pathogenic for Jeune thoracic dystrophy. Last evaluated: 2024-01-16. Review status: criteria provided, single submitter. Criteria: Invitae Variant Classification Sherloc (09022015). Collection method: clinical testing. Allele origin: germline.
Comment: This sequence change creates a premature translational stop signal (p.Trp1328*) in the DYNC2H1 gene. It is expected to result in an absent or disrupted protein product. Loss-of-function variants in DYNC2H1 are known to be pathogenic (PMID: 23339108, 32753734, 33755199). This variant is not present in population databases (gnomAD no frequency). This variant has not been reported in the literature in individuals affected with DYNC2H1-related conditions. For these reasons, this variant has been classified as Pathogenic.

Literature cited by the submitters: PubMed 23339108; PubMed 32753734; PubMed 33755199.

NM_001377.3(DYNC2H1):c.3984G>A (p.Trp1328Ter)

Gene: DYNC2H1 (dynein cytoplasmic 2 heavy chain 1; plus strand). Cytogenetic location: 11q22.3.
Variant type: single nucleotide variant.
Coding change: c.3984G>A on transcript NM_001377.3 (MANE Select); coding-DNA position 3984, G replaced by A.
Protein change: p.Trp1328Ter; replaces tryptophan 1328 with a stop codon.
Molecular consequence: nonsense.
Genome position (GRCh38, 1-based): chr11:103,156,627, G>A. VCF-style: chr11-103156627-G-A. GRCh37 (hg19) VCF-style: chr11-103027356-G-A.
Other names: c.3984G>A, p.Trp1328Ter (NM_001080463.2); short protein forms W1328*.
Identifiers: ClinVar variation 2709564 (VCV002709564.3), dbSNP rs1448805941, ClinGen allele CA382275341.